The following is an entry in ClinVar:

NM_000051.4(ATM):c.5000T>G (p.Val1667Gly)

Gene: ATM (ATM serine/threonine kinase; plus strand). Cytogenetic location: 11q22.3.
Variant type: single nucleotide variant.
Coding change: c.5000T>G on transcript NM_000051.4 (MANE Select); coding-DNA position 5000, T replaced by G.
Protein change: p.Val1667Gly; replaces valine 1667 with glycine.
Molecular consequence: missense variant.
Genome position (GRCh38, 1-based): chr11:108,297,377, T>G. VCF-style: chr11-108297377-T-G. GRCh37 (hg19) VCF-style: chr11-108168104-T-G.
Other names: c.5000T>G, p.Val1667Gly (NM_001351834.2); short protein forms V1667G.
Identifiers: ClinVar variation 1202717 (VCV001202717.8), dbSNP rs2135864002, ClinGen allele CA382538583.
Genomic context (GRCh38, chr11:108,297,377, plus strand): 5'-TAGTTGTCAATTTGTTGCAGTTATCCAAGATGGCAATAAACCACACTGGTGAAAAAGAAG[T>G]TCTAGGTAAACTACAGTCATGCGCTGCGTGACATTTCAGTCAACTGCGGATCACATATAG-3'
Protein context (NP_000042.3, residues 1657-1677): MAINHTGEKE[Val1667Gly]LEAVGSCLGE

ClinVar aggregate classification (germline): Uncertain significance. Review status: criteria provided, multiple submitters, no conflicts (2 of 4 stars). 3 submissions from 3 submitters: Uncertain significance (3). Last evaluated 2026-03-10.

Conditions:
Ataxia-telangiectasia syndrome (AT). Also called: Cerebello-oculocutaneous telangiectasia; Immunodeficiency with ataxia telangiectasia; Ataxia-telangiectasia, complementation group E; Ataxia telangiectasia (A-T); LOUIS-BAR SYNDROME; Ataxia-telangiectasia, complementation group D. Identifiers: Orphanet 100, MedGen C0004135, MONDO:0008840, OMIM 208900.
Hereditary cancer-predisposing syndrome. Also called: Neoplastic Syndromes, Hereditary; Tumor predisposition; Hereditary Cancer Syndrome; Hereditary neoplastic syndrome. Identifiers: Orphanet 140162, MedGen C0027672, MeSH D009386, MONDO:0015356.

Submissions (3):

Ambry Genetics
Classification: Uncertain significance for Hereditary cancer-predisposing syndrome. Last evaluated: 2026-03-10. Review status: criteria provided, single submitter. Criteria: Ambry Variant Classification Scheme 2023. Collection method: clinical testing. Allele origin: germline.
Comment: The p.V1667G variant (also known as c.5000T>G), located in coding exon 32 of the ATM gene, results from a T to G substitution at nucleotide position 5000. The valine at codon 1667 is replaced by glycine, an amino acid with dissimilar properties. This amino acid position is conserved. In addition, this alteration is predicted to be deleterious by in silico analysis. Based on the available evidence, the clinical significance of this variant remains unclear.

Labcorp Genetics (formerly Invitae), Labcorp
Classification: Uncertain significance for Ataxia-telangiectasia syndrome. Last evaluated: 2025-12-31. Review status: criteria provided, single submitter. Criteria: Invitae Variant Classification Sherloc (09022015). Collection method: clinical testing. Allele origin: germline.
Comment: This sequence change replaces valine, which is neutral and non-polar, with glycine, which is neutral and non-polar, at codon 1667 of the ATM protein (p.Val1667Gly). This variant is not present in population databases (gnomAD no frequency). This variant has not been reported in the literature in individuals affected with ATM-related conditions. ClinVar contains an entry for this variant (Variation ID: 1202717). Invitae Evidence Modeling of protein sequence and biophysical properties (such as structural, functional, and spatial information, amino acid conservation, physicochemical variation, residue mobility, and thermodynamic stability) has been performed for this missense variant. However, the output from this modeling did not meet the statistical confidence thresholds required to predict the impact of this variant on ATM protein function. RNA analysis performed to evaluate the impact of this missense change on mRNA splicing indicates it does not significantly alter splicing (internal data). In summary, the available evidence is currently insufficient to determine the role of this variant in disease. Therefore, it has been classified as a Variant of Uncertain Significance.

GeneDx
Classification: Uncertain significance. Last evaluated: 2024-02-09. Review status: criteria provided, single submitter. Criteria: GeneDx Variant Classification Process June 2021. Collection method: clinical testing. Allele origin: germline. Affected: yes.
Comment: Not observed at significant frequency in large population cohorts (gnomAD); In silico analysis supports that this missense variant has a deleterious effect on protein structure/function; Has not been previously published as pathogenic or benign to our knowledge; In silico analysis is inconclusive as to whether the variant alters gene splicing. In the absence of RNA/functional studies, the actual effect of this sequence change is unknown.